The following is an entry in ClinVar:

NM_024675.4(PALB2):c.165A>G (p.Gln55=)

Gene: PALB2 (partner and localizer of BRCA2; minus strand). Cytogenetic location: 16p12.2.
Variant type: single nucleotide variant.
Coding change: c.165A>G on transcript NM_024675.4 (MANE Select); coding-DNA position 165, A replaced by G.
Protein change: p.Gln55=; no amino-acid change (glutamine 55 retained).
Molecular consequence: synonymous variant. On other transcripts: 5 prime UTR variant (8), intron variant (3).
Genome position (GRCh38, 1-based): chr16:23,637,896, T>C on the plus strand (A>G on the coding strand, the complement: PALB2 is on the minus strand). VCF-style: chr16-23637896-T-C. GRCh37 (hg19) VCF-style: chr16-23649217-T-C.
Other names: c.105A>G, p.Gln35= (NM_001407296.1); c.165A>G, p.Gln55= (NM_001407297.1, NM_001407298.1, NM_001407299.1 and 3 more transcripts); c.-721A>G (NM_001407304.1, NM_001407305.1, NM_001407306.1 and 5 more transcripts); c.48+3214A>G (NM_001407314.1); c.-105+3214A>G (NM_001407313.1, NM_001407312.1).
Identifiers: ClinVar variation 3903848 (VCV003903848.1).

ClinVar aggregate classification (germline): Benign (1 of 4 stars; one submission).

Conditions:
Familial cancer of breast. Also called: Hereditary breast cancer; hereditary breast carcinoma; BREAST CANCER, FAMILIAL. Identifiers: Orphanet 227535, MedGen C0346153, MONDO:0016419, OMIM 114480. Disease mechanism: loss of function.

Submission:

Myriad Genetics, Inc.
Classification: Benign for Familial cancer of breast. Last evaluated: 2025-01-09. Review status: criteria provided, single submitter. Criteria: Myriad Autosomal Dominant, Autosomal Recessive and X-Linked Classification Criteria (2023). Collection method: clinical testing. Allele origin: unknown.
Comment: This variant is considered benign. This variant is a silent/synonymous amino acid change and it is not expected to impact splicing.